The following is an entry in ClinVar:

NM_020812.4(DOCK6):c.448C>T (p.Pro150Ser)

Gene: DOCK6 (dedicator of cytokinesis 6; minus strand). Cytogenetic location: 19p13.2.
Variant type: single nucleotide variant.
Coding change: c.448C>T on transcript NM_020812.4 (MANE Select); coding-DNA position 448, C replaced by T.
Protein change: p.Pro150Ser; replaces proline 150 with serine.
Molecular consequence: missense variant.
Genome position (GRCh38, 1-based): chr19:11,252,178, G>A on the plus strand (C>T on the coding strand, the complement: DOCK6 is on the minus strand). VCF-style: chr19-11252178-G-A. GRCh37 (hg19) VCF-style: chr19-11362854-G-A.
Other names: c.448C>T, p.Pro150Ser (NM_001367830.1); short protein forms P150S.
Identifiers: ClinVar variation 2011185 (VCV002011185.4), dbSNP rs2513204183, ClinGen allele CA404117806.

ClinVar aggregate classification (germline): Uncertain significance (1 of 4 stars; one submission).

Submission:

Labcorp Genetics (formerly Invitae), Labcorp
Classification: Uncertain significance. Last evaluated: 2022-06-26. Review status: criteria provided, single submitter. Criteria: Invitae Variant Classification Sherloc (09022015). Collection method: clinical testing. Allele origin: germline.
Comment: Algorithms developed to predict the effect of missense changes on protein structure and function output the following: SIFT: "Tolerated"; PolyPhen-2: "Benign"; Align-GVGD: "Class C0". The serine amino acid residue is found in multiple mammalian species, which suggests that this missense change does not adversely affect protein function. In summary, the available evidence is currently insufficient to determine the role of this variant in disease. Therefore, it has been classified as a Variant of Uncertain Significance. This variant has not been reported in the literature in individuals affected with DOCK6-related conditions. This variant is not present in population databases (gnomAD no frequency). This sequence change replaces proline, which is neutral and non-polar, with serine, which is neutral and polar, at codon 150 of the DOCK6 protein (p.Pro150Ser).